The following is an entry in ClinVar:

NM_030761.5(WNT4):c.313+10G>T

Gene: WNT4 (Wnt family member 4; minus strand). Cytogenetic location: 1p36.12.
Variant type: single nucleotide variant.
Coding change: c.313+10G>T on transcript NM_030761.5 (MANE Select); 10 bases into the intron after coding-DNA position 313, G replaced by T.
Molecular consequence: intron variant.
Genome position (GRCh38, 1-based): chr1:22,129,606, C>A on the plus strand (G>T on the coding strand, the complement: WNT4 is on the minus strand). VCF-style: chr1-22129606-C-A. GRCh37 (hg19) VCF-style: chr1-22456099-C-A.
Other names: c.313+10G>T (NM_030761.4).
Identifiers: ClinVar variation 2719209 (VCV002719209.5), dbSNP rs372735339, ClinGen allele CA675470.

ClinVar aggregate classification (germline): Likely benign. Review status: criteria provided, single submitter (1 of 4 stars). 2 submissions from 2 submitters: Likely benign (1). 1 of the submissions does not count toward it. Last evaluated 2023-12-05.

Conditions:
WNT4-related disorder. Also called: WNT4-related condition.

Allele frequency attached by ClinVar (database versions not stated): ExAC 0.00011; ESP Exome Variant Server 0.00023; gnomAD 0.00027; TOPMed 0.00029; 1000 Genomes Project 30x 0.00031; 1000 Genomes Project 0.00040.
gnomAD v4.1: 71 of 1,611,984 alleles (0.0044%); highest among the groups gnomAD compares: African/African-American, 0.088%; no homozygotes.

Submissions (2):

Labcorp Genetics (formerly Invitae), Labcorp
Classification: Likely benign. Last evaluated: 2023-12-05. Review status: criteria provided, single submitter. Criteria: Invitae Variant Classification Sherloc (09022015). Collection method: clinical testing. Allele origin: germline.

PreventionGenetics, part of Exact Sciences
Classification: Likely benign for WNT4-related condition. Last evaluated: 2021-03-31. Review status: no assertion criteria provided. Collection method: clinical testing. Allele origin: germline. Not counted in ClinVar's aggregate classification.
Comment: This variant is classified as likely benign based on ACMG/AMP sequence variant interpretation guidelines (Richards et al. 2015 PMID: 25741868, with internal and published modifications).